The following is an entry in ClinVar:

NM_013432.5(TONSL):c.664A>G (p.Met222Val)

Gene: TONSL (tonsoku like, DNA repair protein; minus strand). Cytogenetic location: 8q24.3.
Variant type: single nucleotide variant.
Coding change: c.664A>G on transcript NM_013432.5 (MANE Select); coding-DNA position 664, A replaced by G.
Protein change: p.Met222Val; replaces methionine 222 with valine.
Molecular consequence: missense variant.
Genome position (GRCh38, 1-based): chr8:144,442,327, T>C on the plus strand (A>G on the coding strand, the complement: TONSL is on the minus strand). VCF-style: chr8-144442327-T-C. GRCh37 (hg19) VCF-style: chr8-145667710-T-C.
Other names: c.664A>G (NM_013432.4); short protein forms M222V.
Identifiers: ClinVar variation 3010450 (VCV003010450.4), dbSNP rs754234819, ClinGen allele CA4943557.
Genomic context (GRCh38, chr8:144,442,327, plus strand): 5'-TCTCCATGAACCGCTTCCTCATGGTGTGCGCACACTCCCGGGCACCCTCCAAGCAGCGCA[T>C]AGCCTGGGAGTGCTGGCCCGCGCGCCAGTGGATGGTGCCCAGGTTGTAGCGGGCGCGGAA-3'
Protein context (NP_038460.4, residues 212-232): HWRAGQHSQA[Met222Val]RCLEGARECA

ClinVar aggregate classification (germline): Uncertain significance. Review status: criteria provided, multiple submitters, no conflicts (2 of 4 stars). 2 submissions from 2 submitters: Uncertain significance (2). Last evaluated 2024-07-09.

Conditions:
Inborn genetic diseases. Identifiers: MedGen C0950123, MeSH D030342.

Allele frequency attached by ClinVar (database versions not stated): ExAC 0.00001; gnomAD exomes 0.00001.
gnomAD v4.1: 7 of 1,598,354 alleles (0.00044%); highest among the groups gnomAD compares: African/African-American, 0.008%; no homozygotes.

Submissions (2):

Ambry Genetics
Classification: Uncertain significance for Inborn genetic diseases. Last evaluated: 2024-07-09. Review status: criteria provided, single submitter. Criteria: Ambry Variant Classification Scheme 2023. Collection method: clinical testing. Allele origin: germline.

Labcorp Genetics (formerly Invitae), Labcorp
Classification: Uncertain significance. Last evaluated: 2023-05-23. Review status: criteria provided, single submitter. Criteria: Invitae Variant Classification Sherloc (09022015). Collection method: clinical testing. Allele origin: germline.
Comment: This sequence change replaces methionine, which is neutral and non-polar, with valine, which is neutral and non-polar, at codon 222 of the TONSL protein (p.Met222Val). This variant is present in population databases (rs754234819, gnomAD 0.01%). This variant has not been reported in the literature in individuals affected with TONSL-related conditions. Advanced modeling of protein sequence and biophysical properties (such as structural, functional, and spatial information, amino acid conservation, physicochemical variation, residue mobility, and thermodynamic stability) has been performed at Invitae for this missense variant, however the output from this modeling did not meet the statistical confidence thresholds required to predict the impact of this variant on TONSL protein function. In summary, the available evidence is currently insufficient to determine the role of this variant in disease. Therefore, it has been classified as a Variant of Uncertain Significance.